The following is an entry in ClinVar:

ClinVar aggregate classification (germline): Likely benign (1 of 4 stars; one submission).

Allele frequency attached by ClinVar (database versions not stated): TOPMed below 0.00001; gnomAD 0.00001; gnomAD exomes 0.00001.

Submission:

CeGaT Center for Human Genetics Tuebingen
Classification: Likely benign. Last evaluated: 2023-05-01. Review status: criteria provided, single submitter. Criteria: CeGaT Center For Human Genetics Tuebingen Variant Classification Criteria Version 2. Collection method: clinical testing. Allele origin: germline. Affected: yes. Observed: 1 variant allele.
Comment: TUBB3: BP4, BP7

NM_006086.4(TUBB3):c.291C>T (p.Ala97=)

Gene: TUBB3 (tubulin beta 3 class III; plus strand). Cytogenetic location: 16q24.3.
Variant type: single nucleotide variant.
Coding change: c.291C>T on transcript NM_006086.4 (MANE Select); coding-DNA position 291, C replaced by T.
Protein change: p.Ala97=; no amino-acid change (alanine 97 retained).
Molecular consequence: synonymous variant.
Genome position (GRCh38, 1-based): chr16:89,934,742, C>T. VCF-style: chr16-89934742-C-T. GRCh37 (hg19) VCF-style: chr16-90001150-C-T.
Other names: c.75C>T, p.Ala25= (NM_001197181.2).
Identifiers: ClinVar variation 2647148 (VCV002647148.24), dbSNP rs1230372819, ClinGen allele CA497380955.